The following is an entry in ClinVar:

ClinVar aggregate classification (germline): Conflicting classifications of pathogenicity. Review status: criteria provided, conflicting classifications (1 of 4 stars). 3 submissions from 3 submitters: Uncertain significance (2); Likely benign (1). Last evaluated 2025-04-23.

Allele frequency attached by ClinVar (database versions not stated): gnomAD exomes 0.00001; TOPMed 0.00003; ExAC 0.00004; gnomAD 0.00005.
gnomAD v4.1: 22 of 1,568,956 alleles (0.0014%); highest among the groups gnomAD compares: East Asian, 0.0094%; no homozygotes.

Submissions (3):

GeneDx
Classification: Uncertain significance. Last evaluated: 2025-04-23. Review status: criteria provided, single submitter. Criteria: GeneDx Variant Classification Process June 2021. Collection method: clinical testing. Allele origin: germline.
Comment: In silico analysis supports that this missense variant has a deleterious effect on protein structure/function; Has not been previously published as pathogenic or benign to our knowledge

Blueprint Genetics
Classification: Uncertain significance. Last evaluated: 2024-10-24. Review status: criteria provided, single submitter. Criteria: ACMG Guidelines, 2015. Collection method: clinical testing. Allele origin: germline.

Labcorp Genetics (formerly Invitae), Labcorp
Classification: Likely benign. Last evaluated: 2024-01-29. Review status: criteria provided, single submitter. Criteria: Invitae Variant Classification Sherloc (09022015). Collection method: clinical testing. Allele origin: germline.

NM_080680.3(COL11A2):c.1490G>A (p.Arg497His)

Gene: COL11A2 (collagen type XI alpha 2 chain; minus strand). Cytogenetic location: 6p21.32.
Variant type: single nucleotide variant.
Coding change: c.1490G>A on transcript NM_080680.3 (MANE Select); coding-DNA position 1490, G replaced by A.
Protein change: p.Arg497His; replaces arginine 497 with histidine.
Molecular consequence: missense variant.
Genome position (GRCh38, 1-based): chr6:33,179,444, C>T on the plus strand (G>A on the coding strand, the complement: COL11A2 is on the minus strand). VCF-style: chr6-33179444-C-T. GRCh37 (hg19) VCF-style: chr6-33147221-C-T.
Other names: c.1310G>A, p.Arg437His (NM_001424108.1); c.644G>A, p.Arg215His (NM_001424109.1); c.464G>A, p.Arg155His (NM_001424110.1, NM_001424111.1); c.1169G>A, p.Arg390His (NM_080679.3); c.1232G>A, p.Arg411His (NM_080681.3); c.1490G>A (NM_080680.2); short protein forms R155H, R411H, R437H, R390H, R497H, R215H.
Identifiers: ClinVar variation 2693842 (VCV002693842.6), dbSNP rs776761577, ClinGen allele CA3751338.